The following is an entry in ClinVar:

NM_006767.4(LZTR1):c.2220-12A>G

Gene: LZTR1 (leucine zipper like post translational regulator 1; plus strand). Cytogenetic location: 22q11.21.
Variant type: single nucleotide variant.
Coding change: c.2220-12A>G on transcript NM_006767.4 (MANE Select); 12 bases into the intron before coding-DNA position 2220, A replaced by G.
Molecular consequence: intron variant.
Genome position (GRCh38, 1-based): chr22:20,996,684, A>G. VCF-style: chr22-20996684-A-G. GRCh37 (hg19) VCF-style: chr22-21350973-A-G.
Identifiers: ClinVar variation 2854457 (VCV002854457.3), dbSNP rs2518625572, ClinGen allele CA2739267822.
Genomic context (GRCh38, chr22:20,996,684, plus strand): 5'-CCTTCCCTGTCCTTCCCTGGGAGGGTGCGGGCGGACCAGCTTCCTTTAGTCAGCTCCTTA[A>G]CCAGGCCCCAGCTACTTGTTTGCGGCCCCCTACTACTACGGCTTCTACAACAACCGGCTG-3'

ClinVar aggregate classification (germline): Uncertain significance (1 of 4 stars; one submission).

Submission:

Labcorp Genetics (formerly Invitae), Labcorp
Classification: Uncertain significance. Last evaluated: 2023-09-29. Review status: criteria provided, single submitter. Criteria: Invitae Variant Classification Sherloc (09022015). Collection method: clinical testing. Allele origin: germline.
Comment: This variant is not present in population databases (gnomAD no frequency). In summary, the available evidence is currently insufficient to determine the role of this variant in disease. Therefore, it has been classified as a Variant of Uncertain Significance. Algorithms developed to predict the effect of sequence changes on RNA splicing suggest that this variant may disrupt the consensus splice site. This variant has not been reported in the literature in individuals affected with LZTR1-related conditions. This sequence change falls in intron 18 of the LZTR1 gene. It does not directly change the encoded amino acid sequence of the LZTR1 protein.